The following is an entry in ClinVar:

NM_002029.4(FPR1):c.497C>T (p.Thr166Ile)

Gene: FPR1 (formyl peptide receptor 1; minus strand). Cytogenetic location: 19q13.41.
Variant type: single nucleotide variant.
Coding change: c.497C>T on transcript NM_002029.4 (MANE Select); coding-DNA position 497, C replaced by T.
Protein change: p.Thr166Ile; replaces threonine 166 with isoleucine.
Molecular consequence: missense variant.
Genome position (GRCh38, 1-based): chr19:51,746,498, G>A on the plus strand (C>T on the coding strand, the complement: FPR1 is on the minus strand). VCF-style: chr19-51746498-G-A. GRCh37 (hg19) VCF-style: chr19-52249751-G-A.
Other names: c.497C>T, p.Thr166Ile (NM_001193306.2); short protein forms T166I.
Identifiers: ClinVar variation 966326 (VCV000966326.6), dbSNP rs2083746502, ClinGen allele CA407118506.

ClinVar aggregate classification (germline): Uncertain significance (1 of 4 stars; one submission).

Conditions:
Gingival disorder. Also called: Gingival disease. Identifiers: MedGen C0017563, MONDO:0002021.

Allele frequency attached by ClinVar (database versions not stated): gnomAD exomes below 0.00001; gnomAD 0.00001.
gnomAD v4.1: 3 of 1,614,080 alleles (0.00019%); highest among the groups gnomAD compares: Admixed American, 0.0017%; no homozygotes.

Submission:

Labcorp Genetics (formerly Invitae), Labcorp
Classification: Uncertain significance for Gingival disorder. Last evaluated: 2024-03-01. Review status: criteria provided, single submitter. Criteria: Invitae Variant Classification Sherloc (09022015). Collection method: clinical testing. Allele origin: germline.
Comment: This sequence change replaces threonine, which is neutral and polar, with isoleucine, which is neutral and non-polar, at codon 166 of the FPR1 protein (p.Thr166Ile). This variant is not present in population databases (gnomAD no frequency). This variant has not been reported in the literature in individuals affected with FPR1-related conditions. ClinVar contains an entry for this variant (Variation ID: 966326). An algorithm developed to predict the effect of missense changes on protein structure and function (PolyPhen-2) suggests that this variant is likely to be disruptive. In summary, the available evidence is currently insufficient to determine the role of this variant in disease. Therefore, it has been classified as a Variant of Uncertain Significance.